The following is an entry in ClinVar:

NM_001875.5(CPS1):c.2693C>A (p.Ser898Tyr)

Gene: CPS1 (carbamoyl-phosphate synthase 1; plus strand). Cytogenetic location: 2q34.
Variant type: single nucleotide variant.
Coding change: c.2693C>A on transcript NM_001875.5 (MANE Select); coding-DNA position 2693, C replaced by A.
Protein change: p.Ser898Tyr; replaces serine 898 with tyrosine.
Molecular consequence: missense variant. On other transcripts: non-coding transcript variant (2).
Genome position (GRCh38, 1-based): chr2:210,637,707, C>A. VCF-style: chr2-210637707-C-A. GRCh37 (hg19) VCF-style: chr2-211502431-C-A.
Other names: c.2693C>A, p.Ser898Tyr (NM_001122633.3, NM_001369257.1); c.2726C>A, p.Ser909Tyr (NM_001369256.1); short protein forms S898Y, S909Y.
Identifiers: ClinVar variation 948061 (VCV000948061.10), dbSNP rs1700079203, ClinGen allele CA350430793.

ClinVar aggregate classification (germline): Uncertain significance. Review status: criteria provided, single submitter (1 of 4 stars). 2 submissions from 2 submitters: Uncertain significance (1). 1 of the submissions does not count toward it. Last evaluated 2019-04-26.

Conditions:
Congenital hyperammonemia, type I. Also called: Carbamoyl-phosphate synthase I deficiency; Carbamoyl phosphate synthetase 1 deficiency; Hyperammonemia due to carbamoyl phosphate synthetase 1 deficiency; CPS 1 deficiency; Carbamyl phosphate synthetase (CPS) deficiency; Carbamoyl phosphate synthetase I deficiency disease. Identifiers: Orphanet 147, MedGen C4082171, MONDO:0009376, OMIM 237300.

Allele frequency attached by ClinVar (database versions not stated): gnomAD exomes below 0.00001.
gnomAD v4.1: 1 of 1,613,880 alleles (0.000062%); highest among the groups gnomAD compares: Non-Finnish European, 0.000085%; no homozygotes.

Submissions (2):

Labcorp Genetics (formerly Invitae), Labcorp
Classification: Uncertain significance for Congenital hyperammonemia, type I. Last evaluated: 2019-04-26. Review status: criteria provided, single submitter. Criteria: Invitae Variant Classification Sherloc (09022015). Collection method: clinical testing. Allele origin: germline.
Comment: This sequence change replaces serine with tyrosine at codon 898 of the CPS1 protein (p.Ser898Tyr). The serine residue is moderately conserved and there is a large physicochemical difference between serine and tyrosine. In summary, the available evidence is currently insufficient to determine the role of this variant in disease. Therefore, it has been classified as a Variant of Uncertain Significance. Algorithms developed to predict the effect of missense changes on protein structure and function are either unavailable or do not agree on the potential impact of this missense change (SIFT: "Deleterious"; PolyPhen-2: "Possibly Damaging"; Align-GVGD: "Class C0"). This variant has not been reported in the literature in individuals with CPS1-related conditions. This variant is not present in population databases (ExAC no frequency).

Natera, Inc.
Classification: Uncertain significance for Carbamoyl-phosphate synthase I deficiency. Last evaluated: 2025-05-29. Review status: no assertion criteria provided. Collection method: clinical testing. Allele origin: germline. Not counted in ClinVar's aggregate classification.